The following is an entry in ClinVar:

ClinVar aggregate classification (germline): Likely benign. Review status: criteria provided, multiple submitters, no conflicts (2 of 4 stars). 6 submissions from 6 submitters: Likely benign (5). 1 of the submissions does not count toward it. Last evaluated 2026-03-06.

Conditions:
Autosomal recessive retinitis pigmentosa. Identifiers: MedGen C0339526.
Retinitis pigmentosa 25 (RP25). Identifiers: Orphanet 791, MedGen C1864446, MONDO:0011272, OMIM 602772.
EYS-related disorder. Also called: EYS-related condition.

Allele frequency attached by ClinVar (database versions not stated): ExAC 0.00005; gnomAD exomes 0.00005 and 0.00015; TOPMed 0.00014; gnomAD 0.00021.
gnomAD v4.1: 105 of 1,549,504 alleles (0.0068%); highest among the groups gnomAD compares: Admixed American, 0.079%; no homozygotes.

Submissions (6):

PreventionGenetics, part of Exact Sciences
Classification: Likely benign for EYS-related condition. Last evaluated: 2026-03-06. Review status: criteria provided, single submitter. Criteria: ACMG Guidelines, 2015. Collection method: clinical testing. Allele origin: germline.
Comment: This variant is classified as likely benign based on ACMG/AMP sequence variant interpretation guidelines (Richards et al. 2015 PMID: 25741868, with internal and published modifications).

Labcorp Genetics (formerly Invitae), Labcorp
Classification: Likely benign. Last evaluated: 2026-01-27. Review status: criteria provided, single submitter. Criteria: Invitae Variant Classification Sherloc (09022015). Collection method: clinical testing. Allele origin: germline.

Blueprint Genetics
Classification: Likely benign. Last evaluated: 2024-10-21. Review status: criteria provided, single submitter. Criteria: ACMG Guidelines, 2015. Collection method: clinical testing. Allele origin: germline.

Fulgent Genetics
Classification: Likely benign for Retinitis pigmentosa 25. Last evaluated: 2021-07-15. Review status: criteria provided, single submitter. Criteria: ACMG Guidelines, 2015. Collection method: clinical testing. Allele origin: unknown.

Breakthrough Genomics
Classification: Likely benign. Review status: criteria provided, single submitter. Criteria: ACMG Guidelines, 2015. Collection method: not provided. Allele origin: germline. Inheritance: Autosomal recessive inheritance. Affected: yes.

Natera, Inc.
Classification: Uncertain significance for Autosomal recessive retinitis pigmentosa. Last evaluated: 2020-10-30. Review status: no assertion criteria provided. Collection method: clinical testing. Allele origin: germline. Not counted in ClinVar's aggregate classification.

NM_001142800.2(EYS):c.6876T>C (p.Asn2292=)

Gene: EYS (EGF-like photoreceptor maintenance factor; minus strand). Cytogenetic location: 6q12.
Variant type: single nucleotide variant.
Coding change: c.6876T>C on transcript NM_001142800.2 (MANE Select); coding-DNA position 6876, T replaced by C.
Protein change: p.Asn2292=; no amino-acid change (asparagine 2292 retained).
Molecular consequence: synonymous variant.
Genome position (GRCh38, 1-based): chr6:63,984,562, A>G on the plus strand (T>C on the coding strand, the complement: EYS is on the minus strand). VCF-style: chr6-63984562-A-G. GRCh37 (hg19) VCF-style: chr6-64694455-A-G.
Other names: c.6876T>C, p.Asn2292= (NM_001292009.2); c.6876T>C (NM_001142800.1).
Identifiers: ClinVar variation 991102 (VCV000991102.13), dbSNP rs774188028, ClinGen allele CA3876868.
Genomic context (GRCh38, chr6:63,984,562, plus strand): 5'-AAGGTCTAGAATGCAGCCCCTGAACCCATAAACAGGACCTGCTTTCTTATGAATTTGAAC[A>G]TTTGCAGGAATATGGCCAAGGAACATTGATTCAAAATATGCCTGTAGAAAAAGTAACAAC-3'
Protein context (NP_001136272.1, residues 2282-2302): ESMFLGHIPA[Asn2292=]VQIHKKAGPV